The following is an entry in ClinVar:

ClinVar aggregate classification (germline): Uncertain significance. Review status: criteria provided, single submitter (1 of 4 stars). 2 submissions from 2 submitters: Uncertain significance (1). 1 of the submissions does not count toward it. Last evaluated 2025-07-31.

Conditions:
FAT3-related disorder. Also called: FAT3-related condition.

Allele frequency attached by ClinVar (database versions not stated): ESP Exome Variant Server 0.00312; 1000 Genomes Project 0.00399; 1000 Genomes Project 30x 0.00422.
gnomAD v4.1: 851 of 1,612,696 alleles (0.053%); highest among the groups gnomAD compares: African/African-American, 1%; 8 homozygotes.

Submissions (2):

Ambry Genetics
Classification: Uncertain significance. Last evaluated: 2025-07-31. Review status: criteria provided, single submitter. Criteria: Ambry Variant Classification Scheme 2023. Collection method: clinical testing. Allele origin: germline.

PreventionGenetics, part of Exact Sciences
Classification: Benign for FAT3-related condition. Last evaluated: 2019-11-26. Review status: no assertion criteria provided. Collection method: clinical testing. Allele origin: germline. Not counted in ClinVar's aggregate classification.
Comment: This variant is classified as benign based on ACMG/AMP sequence variant interpretation guidelines (Richards et al. 2015 PMID: 25741868, with internal and published modifications).

NM_001367949.2(FAT3):c.4209C>G (p.Asp1403Glu)

Gene: FAT3 (FAT atypical cadherin 3; plus strand). Cytogenetic location: 11q14.3.
Variant type: single nucleotide variant.
Coding change: c.4209C>G on transcript NM_001367949.2 (MANE Select); coding-DNA position 4209, C replaced by G.
Protein change: p.Asp1403Glu; replaces aspartic acid 1403 with glutamic acid.
Molecular consequence: missense variant.
Genome position (GRCh38, 1-based): chr11:92,774,054, C>G. VCF-style: chr11-92774054-C-G. GRCh37 (hg19) VCF-style: chr11-92507220-C-G.
Other names: c.4209C>G, p.Asp1403Glu (NM_001008781.3); short protein forms D1403E.
Identifiers: ClinVar variation 3034204 (VCV003034204.3), dbSNP rs144711293, ClinGen allele CA6226873.